The following is an entry in ClinVar:

ClinVar aggregate classification (germline): Uncertain significance (1 of 4 stars; one submission).

Conditions:
Joubert syndrome. Also called: CEREBELLOPARENCHYMAL DISORDER IV; JOUBERT-BOLTSHAUSER SYNDROME; Familial aplasia of the vermis. Identifiers: Orphanet 475, MedGen C5979921, MONDO:0018772.

Allele frequency attached by ClinVar (database versions not stated): TOPMed below 0.00001; gnomAD 0.00001.

Submission:

Labcorp Genetics (formerly Invitae), Labcorp
Classification: Uncertain significance for Joubert syndrome. Last evaluated: 2022-04-16. Review status: criteria provided, single submitter. Criteria: Invitae Variant Classification Sherloc (09022015). Collection method: clinical testing. Allele origin: germline.
Comment: In summary, the available evidence is currently insufficient to determine the role of this variant in disease. Therefore, it has been classified as a Variant of Uncertain Significance. Advanced modeling of protein sequence and biophysical properties (such as structural, functional, and spatial information, amino acid conservation, physicochemical variation, residue mobility, and thermodynamic stability) performed at Invitae indicates that this missense variant is not expected to disrupt INPP5E protein function. This variant has not been reported in the literature in individuals affected with INPP5E-related conditions. This variant is not present in population databases (gnomAD no frequency). This sequence change replaces threonine, which is neutral and polar, with lysine, which is basic and polar, at codon 57 of the INPP5E protein (p.Thr57Lys).

NM_019892.6(INPP5E):c.170C>A (p.Thr57Lys)

Gene: INPP5E (inositol polyphosphate-5-phosphatase E; minus strand). Cytogenetic location: 9q34.3.
Variant type: single nucleotide variant.
Coding change: c.170C>A on transcript NM_019892.6 (MANE Select); coding-DNA position 170, C replaced by A.
Protein change: p.Thr57Lys; replaces threonine 57 with lysine.
Molecular consequence: missense variant.
Genome position (GRCh38, 1-based): chr9:136,439,250, G>T on the plus strand (C>A on the coding strand, the complement: INPP5E is on the minus strand). VCF-style: chr9-136439250-G-T. GRCh37 (hg19) VCF-style: chr9-139333702-G-T.
Other names: c.170C>A, p.Thr57Lys (NM_001318502.2); short protein forms T57K.
Identifiers: ClinVar variation 1973602 (VCV001973602.5), dbSNP rs1343315812, ClinGen allele CA375570891.
Genomic context (GRCh38, chr9:136,439,250, plus strand): 5'-CTGGCGGGGGGCCGCGGGGCGATGGGTGCTGCTCGGGCTGGCGGGTCCTCGCCGCTGGGC[G>T]TGGCCGGAGTGCTGCAGGCAAGCGCGGGGCTCTCGGAGCCCGGAGCATCGGGTGGGGACC-3'
Protein context (NP_063945.2, residues 47-67): SPALACSTPA[Thr57Lys]PSGEDPPARA